The following is an entry in ClinVar:

NM_005448.2(BMP15):c.166C>T (p.Gln56Ter)

Gene: BMP15 (bone morphogenetic protein 15; plus strand). Cytogenetic location: Xp11.22.
Variant type: single nucleotide variant.
Coding change: c.166C>T on transcript NM_005448.2 (MANE Select); coding-DNA position 166, C replaced by T.
Protein change: p.Gln56Ter; replaces glutamine 56 with a stop codon.
Molecular consequence: nonsense.
Genome position (GRCh38, 1-based): chrX:50,910,949, C>T. VCF-style: chrX-50910949-C-T. GRCh37 (hg19) VCF-style: chrX-50653949-C-T.
Other names: short protein forms Q56*.
Identifiers: ClinVar variation 2078651 (VCV002078651.1), dbSNP rs2519174814, ClinGen allele CA413197317.

ClinVar aggregate classification (germline): Pathogenic (1 of 4 stars; one submission).

Allele frequency attached by ClinVar (database versions not stated): gnomAD exomes below 0.00001.
gnomAD v4.1: 1 of 1,194,428 alleles (0.000084%); highest among the groups gnomAD compares: East Asian, 0.003%; no homozygotes.

Submission:

Labcorp Genetics (formerly Invitae), Labcorp
Classification: Pathogenic. Last evaluated: 2022-06-27. Review status: criteria provided, single submitter. Criteria: Invitae Variant Classification Sherloc (09022015). Collection method: clinical testing. Allele origin: germline.
Comment: This sequence change creates a premature translational stop signal (p.Gln56*) in the BMP15 gene. It is expected to result in an absent or disrupted protein product. Loss-of-function variants in BMP15 are known to be pathogenic (PMID: 11376106, 28094433, 31803742). This variant is not present in population databases (gnomAD no frequency). This variant has not been reported in the literature in individuals affected with BMP15-related conditions. For these reasons, this variant has been classified as Pathogenic.

Literature cited by the submitters: PubMed 11376106; PubMed 28094433; PubMed 31803742.